The following is an entry in ClinVar:

NM_004999.4(MYO6):c.1499G>T (p.Gly500Val)

Gene: MYO6 (myosin VI; plus strand). Cytogenetic location: 6q14.1.
Variant type: single nucleotide variant.
Coding change: c.1499G>T on transcript NM_004999.4 (MANE Select); coding-DNA position 1499, G replaced by T.
Protein change: p.Gly500Val; replaces glycine 500 with valine.
Molecular consequence: missense variant. On other transcripts: non-coding transcript variant (1).
Genome position (GRCh38, 1-based): chr6:75,861,048, G>T. VCF-style: chr6-75861048-G-T. GRCh37 (hg19) VCF-style: chr6-76570765-G-T.
Other names: c.1499G>T, p.Gly500Val (NM_001300899.2, NM_001368136.1, NM_001368137.1 and 2 more transcripts); c.1484G>T, p.Gly495Val (NM_001368138.1); short protein forms G495V, G500V.
Identifiers: ClinVar variation 4875095 (VCV004875095.2).
Genomic context (GRCh38, chr6:75,861,048, plus strand): 5'-TGCTGTATCTATGATTATGATTATTTCATTTTTAGGAACAAGAACTCTATCAAAAAGAAG[G>T]TTTAGGTGTTAATGAAGTGCATTATGTGGATAATCAGGACTGTATAGGTATGTGTTTTTT-3'
Protein context (NP_004990.3, residues 490-510): KEEQELYQKE[Gly500Val]LGVNEVHYVD

ClinVar aggregate classification (germline): Uncertain significance (1 of 4 stars; one submission).

gnomAD v4.1: 1 of 1,608,864 alleles (0.000062%); highest among the groups gnomAD compares: African/African-American, 0.0013%; no homozygotes.

Submission:

CeGaT Center for Human Genetics Tuebingen
Classification: Uncertain significance. Last evaluated: 2026-06-01. Review status: criteria provided, single submitter. Criteria: CeGaT Center For Human Genetics Tuebingen Variant Classification Criteria Version 2. Collection method: clinical testing. Allele origin: germline. Affected: yes. Observed: 1 variant allele.
Comment: MYO6: PM2, PP3